The following is an entry in ClinVar:

NM_033163.5(FGF8):c.32+11C>T

Gene: FGF8 (fibroblast growth factor 8; minus strand). Cytogenetic location: 10q24.32.
Variant type: single nucleotide variant.
Coding change: c.32+11C>T on transcript NM_033163.5 (MANE Select); 11 bases into the intron after coding-DNA position 32, C replaced by T.
Molecular consequence: intron variant.
Genome position (GRCh38, 1-based): chr10:101,775,858, G>A on the plus strand (C>T on the coding strand, the complement: FGF8 is on the minus strand). VCF-style: chr10-101775858-G-A. GRCh37 (hg19) VCF-style: chr10-103535615-G-A.
Other names: c.-160-82C>T (NM_001206389.2); c.32+11C>T (NM_033165.5, NM_006119.6, NM_033164.4).
Identifiers: ClinVar variation 381306 (VCV000381306.13), dbSNP rs535351281, ClinGen allele CA5657712.
Genomic context (GRCh38, chr10:101,775,858, plus strand): 5'-GGGAGAGAGAGGCGCGGGTGAGGCGAGGGGCGCGGGGGGCGGGTGGCGGGGCAGGGCGGC[G>A]CGGTACTCACAGGCAGCTCAGCGCGGAGCGGGGGCTGCCCATGGCGCGCGGCCCCGGGGC-3'

ClinVar aggregate classification (germline): Benign/Likely benign. Review status: criteria provided, multiple submitters, no conflicts (2 of 4 stars). 5 submissions from 5 submitters: Benign (1); Likely benign (4). Last evaluated 2026-01-05.

Allele frequency attached by ClinVar (database versions not stated): 1000 Genomes Project 0.00020; 1000 Genomes Project 30x 0.00031; gnomAD exomes 0.00057 and 0.00092; gnomAD 0.00061 and 0.00062; ExAC 0.00075; TOPMed 0.00083.

Submissions (5):

Labcorp Genetics (formerly Invitae), Labcorp
Classification: Benign. Last evaluated: 2026-01-05. Review status: criteria provided, single submitter. Criteria: Invitae Variant Classification Sherloc (09022015). Collection method: clinical testing. Allele origin: germline.

Women's Health and Genetics/Laboratory Corporation of America, LabCorp
Classification: Likely benign. Last evaluated: 2025-04-14. Review status: criteria provided, single submitter. Criteria: LabCorp Variant Classification Summary - May 2015. Collection method: clinical testing. Allele origin: germline.

Blueprint Genetics
Classification: Likely benign. Last evaluated: 2024-11-25. Review status: criteria provided, single submitter. Criteria: ACMG Guidelines, 2015. Collection method: clinical testing. Allele origin: germline.

GeneDx
Classification: Likely benign. Last evaluated: 2016-09-08. Review status: criteria provided, single submitter. Criteria: GeneDx Variant Classification (06012015). Collection method: clinical testing. Allele origin: germline. Affected: yes.
Comment: This variant is considered likely benign or benign based on one or more of the following criteria: it is a conservative change, it occurs at a poorly conserved position in the protein, it is predicted to be benign by multiple in silico algorithms, and/or has population frequency not consistent with disease.

Breakthrough Genomics
Classification: Likely benign. Review status: criteria provided, single submitter. Criteria: ACMG Guidelines, 2015. Collection method: not provided. Allele origin: germline. Inheritance: Autosomal dominant inheritance. Affected: yes.